The following is an entry in ClinVar:

NM_020911.2(PLXNA4):c.3511C>T (p.Pro1171Ser)

Gene: PLXNA4 (plexin A4; minus strand). Cytogenetic location: 7q32.3.
Variant type: single nucleotide variant.
Coding change: c.3511C>T on transcript NM_020911.2 (MANE Select); coding-DNA position 3511, C replaced by T.
Protein change: p.Pro1171Ser; replaces proline 1171 with serine.
Molecular consequence: missense variant.
Genome position (GRCh38, 1-based): chr7:132,180,714, G>A on the plus strand (C>T on the coding strand, the complement: PLXNA4 is on the minus strand). VCF-style: chr7-132180714-G-A. GRCh37 (hg19) VCF-style: chr7-131865473-G-A.
Other names: c.3511C>T, p.Pro1171Ser (NM_001393897.1); short protein forms P1171S.
Identifiers: ClinVar variation 3044027 (VCV003044027.2), dbSNP rs192855926, ClinGen allele CA4489468.

ClinVar aggregate classification (germline): Likely benign (0 of 4 stars; one submission).

Conditions:
PLXNA4-related disorder. Also called: PLXNA4-related condition.

Allele frequency attached by ClinVar (database versions not stated): 1000 Genomes Project 30x 0.00062; 1000 Genomes Project 0.00080; TOPMed 0.00178; gnomAD 0.00202; ExAC 0.00209; ESP Exome Variant Server 0.00255; gnomAD exomes 0.00282.
gnomAD v4.1: 4,472 of 1,614,144 alleles (0.28%); highest among the groups gnomAD compares: Non-Finnish European, 0.33%; 10 homozygotes.

Submission:

PreventionGenetics, part of Exact Sciences
Classification: Likely benign for PLXNA4-related condition. Last evaluated: 2021-06-07. Review status: no assertion criteria provided. Collection method: clinical testing. Allele origin: germline.
Comment: This variant is classified as likely benign based on ACMG/AMP sequence variant interpretation guidelines (Richards et al. 2015 PMID: 25741868, with internal and published modifications).